The following is an entry in ClinVar:

NM_017617.5(NOTCH1):c.1146C>A (p.Asn382Lys)

Gene: NOTCH1 (notch receptor 1; minus strand). Cytogenetic location: 9q34.3.
Variant type: single nucleotide variant.
Coding change: c.1146C>A on transcript NM_017617.5 (MANE Select); coding-DNA position 1146, C replaced by A.
Protein change: p.Asn382Lys; replaces asparagine 382 with lysine.
Molecular consequence: missense variant.
Genome position (GRCh38, 1-based): chr9:136,518,246, G>T on the plus strand (C>A on the coding strand, the complement: NOTCH1 is on the minus strand). VCF-style: chr9-136518246-G-T. GRCh37 (hg19) VCF-style: chr9-139412698-G-T.
Other names: short protein forms N382K.
Identifiers: ClinVar variation 2452184 (VCV002452184.2), dbSNP rs368665838, ClinGen allele CA375564857.
Genomic context (GRCh38, chr9:136,518,246, plus strand): 5'-CGAGGGGCAGGTGCAGATGGCCTTGCCATTGACAGGGTTGGTGTCGCAGTTGGAGCCCTC[G>T]TTACAGGGGTTGCTGATGCATGCGTCGTTGAGGTGGCACAGCAGACCTGGGCAGGCAGCG-3'
Protein context (NP_060087.3, residues 372-392): LNDACISNPC[Asn382Lys]EGSNCDTNPV

ClinVar aggregate classification (germline): Uncertain significance (1 of 4 stars; one submission).

Conditions:
Familial thoracic aortic aneurysm and aortic dissection (TAAD). Also called: Thoracic aortic aneurysms and dissections. Identifiers: Orphanet 91387, MedGen C4707243, MONDO:0019625.

gnomAD v4.1: 1 of 1,611,112 alleles (0.000062%); no homozygotes.

Submission:

Ambry Genetics
Classification: Uncertain significance for Familial thoracic aortic aneurysm and aortic dissection. Last evaluated: 2022-12-25. Review status: criteria provided, single submitter. Criteria: Ambry Variant Classification Scheme 2023. Collection method: clinical testing. Allele origin: germline.
Comment: The p.N382K variant (also known as c.1146C>A), located in coding exon 7 of the NOTCH1 gene, results from a C to A substitution at nucleotide position 1146. The asparagine at codon 382 is replaced by lysine, an amino acid with similar properties. This amino acid position is conserved. In addition, this alteration is predicted to be tolerated by in silico analysis. Since supporting evidence is limited at this time, the clinical significance of this alteration remains unclear.